The following is an entry in ClinVar:

ClinVar aggregate classification (germline): Likely pathogenic (1 of 4 stars; one submission).

Conditions:
Holoprosencephaly 3 (HPE3). Identifiers: Orphanet 2162, MedGen C1840529, MONDO:0007733, OMIM 142945.

Submission:

Laboratory of Molecular Genetics, CHU Rennes
Classification: Likely pathogenic for Holoprosencephaly 3. Last evaluated: 2025-02-27. Review status: criteria provided, single submitter. Criteria: ACMG Guidelines, 2015. Collection method: clinical testing. Allele origin: de novo. Inheritance: Autosomal dominant inheritance. Affected: yes.
Comment: The NM_000193.4:c.1067_1069del is a deletion of three base-pairs in the Hint domain of SHH (PM1), absent from controls (PM2), and occurred de novo (PS2). In summary, this variant meets criteria to be classified as likely pathogenic for holoprosencephaly based on the ACMG criteria applied.

NM_000193.4(SHH):c.1064TCA[1] (p.Ile356del)

Gene: SHH (sonic hedgehog signaling molecule; minus strand). Cytogenetic location: 7q36.3.
Variant type: Microsatellite.
Coding change: c.1064TCA[1] on transcript NM_000193.4 (MANE Select); one copy of the 3-base unit TCA starting at c.1064; the reference has two copies in a row; one copy, 3 bases deleted; also written c.1067_1069del.
Protein change: p.Ile356del; deletes isoleucine 356.
Molecular consequence: inframe deletion. On other transcripts: intron variant (1).
Genome position (GRCh38, 1-based): chr7:155,803,220-155,803,222, TGA deleted on the plus strand (TCA on the coding strand, the reverse complement: SHH is on the minus strand); deleting any 3 consecutive bases within chr7:155,803,220-155,803,225 gives the same sequence; the position shown is the placement nearest the transcript's 3' end. VCF-style (leftmost placement, unchanged base first): chr7-155803219-TTGA-T. GRCh37 (hg19) VCF-style: chr7-155595913-TTGA-T.
Other names: c.302-2977_302-2975del (NM_001310462.2); c.1067_1069del (NM_000193.4); short protein forms I356del.
Identifiers: ClinVar variation 3775154 (VCV003775154.1).